The following is an entry in ClinVar:

NM_015139.3(SLC35D1):c.275C>T (p.Ala92Val)

Gene: SLC35D1 (solute carrier family 35 member D1; minus strand). Cytogenetic location: 1p31.3.
Variant type: single nucleotide variant.
Coding change: c.275C>T on transcript NM_015139.3 (MANE Select); coding-DNA position 275, C replaced by T.
Protein change: p.Ala92Val; replaces alanine 92 with valine.
Molecular consequence: missense variant.
Genome position (GRCh38, 1-based): chr1:67,052,820, G>A on the plus strand (C>T on the coding strand, the complement: SLC35D1 is on the minus strand). VCF-style: chr1-67052820-G-A. GRCh37 (hg19) VCF-style: chr1-67518503-G-A.
Other names: short protein forms A92V.
Identifiers: ClinVar variation 1438609 (VCV001438609.6), dbSNP rs369183359, ClinGen allele CA899087.

ClinVar aggregate classification (germline): Uncertain significance (1 of 4 stars; one submission).

Conditions:
Schneckenbecken dysplasia. Identifiers: Orphanet 3144, MedGen C0432194, MONDO:0010013, OMIM 269250.

Allele frequency attached by ClinVar (database versions not stated): gnomAD exomes below 0.00001 and 0.00002; ExAC 0.00004; ESP Exome Variant Server 0.00008; gnomAD 0.00010 and 0.00011.
gnomAD v4.1: 18 of 1,613,920 alleles (0.0011%); highest among the groups gnomAD compares: African/African-American, 0.023%; no homozygotes.

Submissions (2):

Labcorp Genetics (formerly Invitae), Labcorp
Classification: Uncertain significance for Schneckenbecken dysplasia. Last evaluated: 2022-07-06. Review status: criteria provided, single submitter. Criteria: Invitae Variant Classification Sherloc (09022015). Collection method: clinical testing. Allele origin: germline.
Comment: This sequence change replaces alanine, which is neutral and non-polar, with valine, which is neutral and non-polar, at codon 92 of the SLC35D1 protein (p.Ala92Val). This variant is present in population databases (rs369183359, gnomAD 0.02%). This variant has not been reported in the literature in individuals affected with SLC35D1-related conditions. ClinVar contains an entry for this variant (Variation ID: 1438609). Algorithms developed to predict the effect of missense changes on protein structure and function (SIFT, PolyPhen-2, Align-GVGD) all suggest that this variant is likely to be tolerated. Algorithms developed to predict the effect of sequence changes on RNA splicing suggest that this variant may create or strengthen a splice site. In summary, the available evidence is currently insufficient to determine the role of this variant in disease. Therefore, it has been classified as a Variant of Uncertain Significance.

Dr. Peter K. Rogan Lab, Western University
No classification provided (evidence only). Condition: Familial cancer of breast. Review status: no classification provided. Collection method: in vitro. Allele origin: not applicable. Functional consequence: retained intron. Not counted in ClinVar's aggregate classification.